The following is an entry in ClinVar:

NM_000465.4(BARD1):c.1684A>T (p.Thr562Ser)

Gene: BARD1 (BRCA1 associated RING domain 1; minus strand). Cytogenetic location: 2q35.
Variant type: single nucleotide variant.
Coding change: c.1684A>T on transcript NM_000465.4 (MANE Select); coding-DNA position 1684, A replaced by T.
Protein change: p.Thr562Ser; replaces threonine 562 with serine.
Molecular consequence: missense variant. On other transcripts: non-coding transcript variant (3), intron variant (1).
Genome position (GRCh38, 1-based): chr2:214,745,848, T>A on the plus strand (A>T on the coding strand, the complement: BARD1 is on the minus strand). VCF-style: chr2-214745848-T-A. GRCh37 (hg19) VCF-style: chr2-215610572-T-A.
Other names: c.1627A>T, p.Thr543Ser (NM_001282543.2); c.331A>T, p.Thr111Ser (NM_001282545.2); c.274A>T, p.Thr92Ser (NM_001282548.2); c.365-15340A>T (NM_001282549.2); short protein forms T562S, T111S, T543S, T92S.
Identifiers: ClinVar variation 232134 (VCV000232134.7), dbSNP rs876659576, ClinGen allele CA10577791.

ClinVar aggregate classification (germline): Uncertain significance. Review status: criteria provided, multiple submitters, no conflicts (2 of 4 stars). 2 submissions from 2 submitters: Uncertain significance (2). Last evaluated 2024-07-21.

Conditions:
Hereditary cancer-predisposing syndrome. Also called: Neoplastic Syndromes, Hereditary; Tumor predisposition; Hereditary Cancer Syndrome; Hereditary neoplastic syndrome. Identifiers: Orphanet 140162, MedGen C0027672, MeSH D009386, MONDO:0015356.
Familial cancer of breast. Also called: BREAST CANCER, FAMILIAL; hereditary breast carcinoma; Hereditary breast cancer. Identifiers: Orphanet 227535, MedGen C0346153, MONDO:0016419, OMIM 114480. Disease mechanism: loss of function.

Submissions (2):

Labcorp Genetics (formerly Invitae), Labcorp
Classification: Uncertain significance for Familial cancer of breast. Last evaluated: 2024-07-21. Review status: criteria provided, single submitter. Criteria: Invitae Variant Classification Sherloc (09022015). Collection method: clinical testing. Allele origin: germline.
Comment: This sequence change replaces threonine, which is neutral and polar, with serine, which is neutral and polar, at codon 562 of the BARD1 protein (p.Thr562Ser). This variant is not present in population databases (gnomAD no frequency). This variant has not been reported in the literature in individuals affected with BARD1-related conditions. ClinVar contains an entry for this variant (Variation ID: 232134). An algorithm developed to predict the effect of missense changes on protein structure and function outputs the following: PolyPhen-2: "Benign". The serine amino acid residue is found in multiple mammalian species, which suggests that this missense change does not adversely affect protein function. In summary, the available evidence is currently insufficient to determine the role of this variant in disease. Therefore, it has been classified as a Variant of Uncertain Significance.

Ambry Genetics
Classification: Uncertain significance for Hereditary cancer-predisposing syndrome. Last evaluated: 2021-07-21. Review status: criteria provided, single submitter. Criteria: Ambry Variant Classification Scheme 2023. Collection method: clinical testing. Allele origin: germline.
Comment: The p.T562S variant (also known as c.1684A>T), located in coding exon 8 of the BARD1 gene, results from an A to T substitution at nucleotide position 1684. The threonine at codon 562 is replaced by serine, an amino acid with similar properties. This amino acid position is not well conserved in available vertebrate species. In addition, this alteration is predicted to be tolerated by in silico analysis. Since supporting evidence is limited at this time, the clinical significance of this alteration remains unclear.